The following is an entry in ClinVar:

ClinVar aggregate classification (germline): Uncertain significance (1 of 4 stars; one submission).

Submission:

Labcorp Genetics (formerly Invitae), Labcorp
Classification: Uncertain significance. Last evaluated: 2025-10-10. Review status: criteria provided, single submitter. Criteria: Invitae Variant Classification Sherloc (09022015). Collection method: clinical testing. Allele origin: germline.
Comment: This sequence change replaces lysine, which is basic and polar, with arginine, which is basic and polar, at codon 1335 of the RAI1 protein (p.Lys1335Arg). This variant is not present in population databases (gnomAD no frequency). This variant has not been reported in the literature in individuals affected with RAI1-related conditions. ClinVar contains an entry for this variant (Variation ID: 2812959). Invitae Evidence Modeling of protein sequence and biophysical properties (such as structural, functional, and spatial information, amino acid conservation, physicochemical variation, residue mobility, and thermodynamic stability) indicates that this missense variant is expected to disrupt RAI1 protein function with a positive predictive value of 80%. In summary, the available evidence is currently insufficient to determine the role of this variant in disease. Therefore, it has been classified as a Variant of Uncertain Significance.

NM_030665.4(RAI1):c.4004A>G (p.Lys1335Arg)

Gene: RAI1 (retinoic acid induced 1; plus strand). Cytogenetic location: 17p11.2.
Variant type: single nucleotide variant.
Coding change: c.4004A>G on transcript NM_030665.4 (MANE Select); coding-DNA position 4004, A replaced by G.
Protein change: p.Lys1335Arg; replaces lysine 1335 with arginine.
Molecular consequence: missense variant.
Genome position (GRCh38, 1-based): chr17:17,796,952, A>G. VCF-style: chr17-17796952-A-G. GRCh37 (hg19) VCF-style: chr17-17700266-A-G.
Other names: short protein forms K1335R.
Identifiers: ClinVar variation 2812959 (VCV002812959.3), dbSNP rs768113556, ClinGen allele CA398555517.
Genomic context (GRCh38, chr17:17,796,952, plus strand): 5'-AGACCAAGGTGCTGCCACCCCGGAAGGGCCGGGGCCTGAAGCTGGAAGCCATCGTGCAGA[A>G]GATCACCTCGCCCAGCCTCAAGAAGTTCGCATGTAAAGCGCCAGGGGCCTCTCCTGGTAA-3'
Protein context (NP_109590.3, residues 1325-1345): RGLKLEAIVQ[Lys1335Arg]ITSPSLKKFA